The following is an entry in ClinVar:

NM_032656.4(DHX37):c.2979G>A (p.Met993Ile)

Gene: DHX37 (DEAH-box helicase 37; minus strand). Cytogenetic location: 12q24.31.
Variant type: single nucleotide variant.
Coding change: c.2979G>A on transcript NM_032656.4 (MANE Select); coding-DNA position 2979, G replaced by A.
Protein change: p.Met993Ile; replaces methionine 993 with isoleucine.
Molecular consequence: missense variant.
Genome position (GRCh38, 1-based): chr12:124,950,694, C>T on the plus strand (G>A on the coding strand, the complement: DHX37 is on the minus strand). VCF-style: chr12-124950694-C-T. GRCh37 (hg19) VCF-style: chr12-125435240-C-T.
Other names: short protein forms M993I.
Identifiers: ClinVar variation 3771874 (VCV003771874.13).

ClinVar aggregate classification (germline): Uncertain significance (1 of 4 stars; one submission).

gnomAD v4.1: 1 of 1,612,670 alleles (0.000062%); no homozygotes.

Submission:

CeGaT Center for Human Genetics Tuebingen
Classification: Uncertain significance. Last evaluated: 2025-01-01. Review status: criteria provided, single submitter. Criteria: CeGaT Center For Human Genetics Tuebingen Variant Classification Criteria Version 2. Collection method: clinical testing. Allele origin: germline. Affected: yes. Observed: 1 variant allele.
Comment: DHX37: PM2